The following is an entry in ClinVar:

ClinVar aggregate classification (germline): Pathogenic. Review status: criteria provided, single submitter (1 of 4 stars). 2 submissions from 2 submitters: Pathogenic (1). 1 of the submissions does not count toward it. Last evaluated 2022-03-10.

Conditions:
Usher syndrome type 2. Also called: Usher Syndrome Type II. Identifiers: Orphanet 231178, MedGen C0339534, MONDO:0016484.

Submissions (2):

Labcorp Genetics (formerly Invitae), Labcorp
Classification: Pathogenic. Last evaluated: 2022-03-10. Review status: criteria provided, single submitter. Criteria: Invitae Variant Classification Sherloc (09022015). Collection method: clinical testing. Allele origin: germline.
Comment: This variant has not been reported in the literature in individuals affected with USH2A-related conditions. This sequence change creates a premature translational stop signal (p.Tyr4039Ilefs*15) in the USH2A gene. It is expected to result in an absent or disrupted protein product. Loss-of-function variants in USH2A are known to be pathogenic (PMID: 10729113, 10909849, 20507924, 25649381). This variant is not present in population databases (gnomAD no frequency). ClinVar contains an entry for this variant (Variation ID: 812450). For these reasons, this variant has been classified as Pathogenic.

Sharon lab, Hadassah-Hebrew University Medical Center
Classification: Pathogenic for Usher syndrome type 2. Last evaluated: 2019-06-23. Review status: no assertion criteria provided. Collection method: research. Allele origin: inherited. Affected: yes. Not counted in ClinVar's aggregate classification.

Literature cited by the submitters: PubMed 10729113 (cited by Labcorp Genetics (formerly Invitae), Labcorp); PubMed 10909849 (cited by Labcorp Genetics (formerly Invitae), Labcorp); PubMed 20507924 (cited by Labcorp Genetics (formerly Invitae), Labcorp); PubMed 25649381 (cited by Labcorp Genetics (formerly Invitae), Labcorp).

NM_206933.4(USH2A):c.12114del (p.Tyr4039fs)

Gene: USH2A (usherin; minus strand). Cytogenetic location: 1q41.
Variant type: Deletion.
Coding change: c.12114del on transcript NM_206933.4 (MANE Select); coding-DNA position 12114, one base deleted (A; older notation c.12114delA).
Protein change: p.Tyr4039fs; shifts the reading frame from tyrosine 4039.
Molecular consequence: frameshift variant.
Genome position (GRCh38, 1-based): chr1:215,680,329, T deleted on the plus strand (A on the coding strand, the reverse complement: USH2A is on the minus strand). VCF-style (leftmost placement, unchanged base first): chr1-215680328-AT-A. GRCh37 (hg19) VCF-style: chr1-215853670-AT-A.
Other names: short protein forms Y4039fs.
Identifiers: ClinVar variation 812450 (VCV000812450.5), dbSNP rs1571953449, ClinGen allele CA915942029.